The following is an entry in ClinVar:

ClinVar aggregate classification (germline): Likely pathogenic. Review status: criteria provided, single submitter (1 of 4 stars). 2 submissions from 2 submitters: Likely pathogenic (1). 1 of the submissions does not count toward it. Last evaluated 2025-02-14.

Conditions:
Rare genetic deafness. Identifiers: Orphanet 96210, MedGen C5680250.
Usher syndrome type 1 (USH1). Also called: RETINITIS PIGMENTOSA AND CONGENITAL DEAFNESS. Identifiers: Orphanet 231169, Orphanet 886, MedGen C1568247, MONDO:0010168, OMIM 276900.

Allele frequency attached by ClinVar (database versions not stated): TOPMed below 0.00001; gnomAD 0.00001; gnomAD exomes below 0.00001.
gnomAD v4.1: 4 of 1,570,308 alleles (0.00025%); highest among the groups gnomAD compares: Non-Finnish European, 0.00035%; no homozygotes.

Submissions (2):

Myriad Genetics, Inc.
Classification: Likely pathogenic for Usher syndrome type 1. Last evaluated: 2025-02-14. Review status: criteria provided, single submitter. Criteria: Myriad Autosomal Dominant, Autosomal Recessive and X-Linked Classification Criteria (2023). Collection method: clinical testing. Allele origin: unknown.
Comment: NM_000260.3(MYO7A):c.6029A>G(D2010G) is a missense variant classified as likely pathogenic in the context of MYO7A-related disorders. D2010G has been observed in a case with relevant disease (PMID: 37466950). Relevant functional assessments of this variant are not available in the literature. Internal structural analysis of the variant is supportive of pathogenicity. D2010G has not been observed in referenced population frequency databases. In summary, NM_000260.3(MYO7A):c.6029A>G(D2010G) is a missense variant that has internal structural support for pathogenicity and has been observed more frequently in cases with the relevant disease than in healthy populations. Please note: this variant was assessed in the context of healthy population screening.

Laboratory for Molecular Medicine, Mass General Brigham Personalized Medicine
Classification: Pathogenic for Rare genetic deafness. Last evaluated: 2006-10-28. Review status: no assertion criteria provided. Collection method: clinical testing. Allele origin: germline. Observed: 2 variant alleles. Not counted in ClinVar's aggregate classification.

Literature cited by the submitters: PubMed 37466950 (cited by Myriad Genetics, Inc.).

NM_000260.4(MYO7A):c.6029A>G (p.Asp2010Gly)

Gene: MYO7A (myosin VIIA; plus strand). Cytogenetic location: 11q13.5.
Variant type: single nucleotide variant.
Coding change: c.6029A>G on transcript NM_000260.4 (MANE Select); coding-DNA position 6029, A replaced by G.
Protein change: p.Asp2010Gly; replaces aspartic acid 2010 with glycine.
Molecular consequence: missense variant.
Genome position (GRCh38, 1-based): chr11:77,208,781, A>G. VCF-style: chr11-77208781-A-G. GRCh37 (hg19) VCF-style: chr11-76919826-A-G.
Other names: c.5915A>G, p.Asp1972Gly (NM_001127180.2); c.5882A>G, p.Asp1961Gly (NM_001369365.1); short protein forms D2010G, D1972G, D1961G.
Identifiers: ClinVar variation 43314 (VCV000043314.6), dbSNP rs111033175, ClinGen allele CA278703.